The following is an entry in ClinVar:

ClinVar aggregate classification (germline): Conflicting classifications of pathogenicity. Review status: criteria provided, conflicting classifications (1 of 4 stars). 6 submissions from 6 submitters: Uncertain significance (1); Likely benign (4). 1 of the submissions does not count toward it. Last evaluated 2025-12-29.

Conditions:
BRCA2-related cancer predisposition. Identifiers: MedGen CN377758, MONDO:0700269.
Hereditary cancer-predisposing syndrome. Also called: Hereditary Cancer Syndrome; Neoplastic Syndromes, Hereditary; Hereditary neoplastic syndrome; Tumor predisposition. Identifiers: Orphanet 140162, MedGen C0027672, MeSH D009386, MONDO:0015356.
Hereditary breast ovarian cancer syndrome. Also called: Breast and ovarian cancer; Hereditary breast and ovarian cancer syndrome; Hereditary breast and ovarian cancer syndrome (HBOC); BRCA1- and BRCA2-Associated Hereditary Breast and Ovarian Cancer; Hereditary breast and ovarian cancer; Hereditary breast and/or ovarian cancer syndrome. Identifiers: Orphanet 145, MedGen C0677776, MeSH D061325, MONDO:0003582. Disease mechanism: loss of function.
Breast-ovarian cancer, familial, susceptibility to, 2 (BROVCA2). Also called: BRCA2 Hereditary Breast and Ovarian Cancer. Identifiers: Orphanet 145, MedGen C2675520, MONDO:0012933, OMIM 612555. Disease mechanism: loss of function.

Allele frequency attached by ClinVar (database versions not stated): TOPMed below 0.00001.

Submissions (6):

Labcorp Genetics (formerly Invitae), Labcorp
Classification: Likely benign for Hereditary breast ovarian cancer syndrome. Last evaluated: 2025-12-29. Review status: criteria provided, single submitter. Criteria: Invitae Variant Classification Sherloc (09022015). Collection method: clinical testing. Allele origin: germline.

Hema, HEMA – Genetic and Molecular Diagnostic Laboratory
Classification: Uncertain significance for BRCA2-related cancer predisposition. Last evaluated: 2025-06-30. Review status: criteria provided, single submitter. Criteria: HEMA Variant Classification Assertion Criteria. Collection method: clinical testing. Allele origin: germline.
Comment: The c.517-16T>C variant is a transition from thymine to cytosine at position -16 of intron 6 of the BRCA2 gene. PM2_Supporting: Absent in gnomAD. BP4: According to the splicing predictor SpliceAI, the variant does not affect splicing ((delta) score = 0.1 (less than or equal to) 0.1).

Women's Health and Genetics/Laboratory Corporation of America, LabCorp
Classification: Likely benign. Last evaluated: 2024-12-11. Review status: criteria provided, single submitter. Criteria: LabCorp Variant Classification Summary - May 2015. Collection method: clinical testing. Allele origin: germline.

Color Diagnostics, LLC DBA Color Health
Classification: Likely benign for Hereditary cancer-predisposing syndrome. Last evaluated: 2019-07-02. Review status: criteria provided, single submitter. Criteria: ACMG Guidelines, 2015. Collection method: clinical testing. Allele origin: germline.

GeneDx
Classification: Likely benign. Last evaluated: 2016-02-17. Review status: criteria provided, single submitter. Criteria: GeneDx Variant Classification (06012015). Collection method: clinical testing. Allele origin: germline. Affected: yes.
Comment: This variant is considered likely benign or benign based on one or more of the following criteria: it is a conservative change, it occurs at a poorly conserved position in the protein, it is predicted to be benign by multiple in silico algorithms, and/or has population frequency not consistent with disease.

Breast Cancer Information Core (BIC) (BRCA2)
Classification: Uncertain significance for Breast-ovarian cancer, familial 2. Last evaluated: 2003-12-23. Review status: no assertion criteria provided. Collection method: clinical testing. Allele origin: germline. Affected: yes. Observed: 1 variant allele. Not counted in ClinVar's aggregate classification.

NM_000059.4(BRCA2):c.517-16T>C

Gene: BRCA2 (BRCA2 DNA repair associated; plus strand). Cytogenetic location: 13q13.1.
Variant type: single nucleotide variant.
Coding change: c.517-16T>C on transcript NM_000059.4 (MANE Select); 16 bases into the intron before coding-DNA position 517, T replaced by C.
Molecular consequence: intron variant.
Genome position (GRCh38, 1-based): chr13:32,326,483, T>C. VCF-style: chr13-32326483-T-C. GRCh37 (hg19) VCF-style: chr13-32900620-T-C.
Other names: IVS6-16T>C.
Identifiers: ClinVar variation 51798 (VCV000051798.15), dbSNP rs81002839, ClinGen allele CA021551.